The following is an entry in ClinVar:

ClinVar aggregate classification (germline): Uncertain significance (1 of 4 stars; one submission).

Conditions:
Fanconi anemia complementation group J. Also called: BRIP1-Related Fanconi Anemia. Identifiers: Orphanet 84, MedGen C1836860, MONDO:0012187, OMIM 609054.
Familial cancer of breast. Also called: BREAST CANCER, FAMILIAL; Hereditary breast cancer; hereditary breast carcinoma. Identifiers: Orphanet 227535, MedGen C0346153, MONDO:0016419, OMIM 114480. Disease mechanism: loss of function.

Submission:

Labcorp Genetics (formerly Invitae), Labcorp
Classification: Uncertain significance for Familial cancer of breast; Fanconi anemia complementation group J. Last evaluated: 2023-01-16. Review status: criteria provided, single submitter. Criteria: Invitae Variant Classification Sherloc (09022015). Collection method: clinical testing. Allele origin: germline.
Comment: This sequence change replaces threonine, which is neutral and polar, with arginine, which is basic and polar, at codon 1123 of the BRIP1 protein (p.Thr1123Arg). This variant is not present in population databases (gnomAD no frequency). This variant has not been reported in the literature in individuals affected with BRIP1-related conditions. Algorithms developed to predict the effect of missense changes on protein structure and function are either unavailable or do not agree on the potential impact of this missense change (SIFT: "Tolerated"; PolyPhen-2: "Possibly Damaging"; Align-GVGD: "Class C0"). In summary, the available evidence is currently insufficient to determine the role of this variant in disease. Therefore, it has been classified as a Variant of Uncertain Significance.

NM_032043.3(BRIP1):c.3368C>G (p.Thr1123Arg)

Gene: BRIP1 (BRCA1 interacting DNA helicase 1; minus strand). Cytogenetic location: 17q23.2.
Variant type: single nucleotide variant.
Coding change: c.3368C>G on transcript NM_032043.3 (MANE Select); coding-DNA position 3368, C replaced by G.
Protein change: p.Thr1123Arg; replaces threonine 1123 with arginine.
Molecular consequence: missense variant.
Genome position (GRCh38, 1-based): chr17:61,683,678, G>C on the plus strand (C>G on the coding strand, the complement: BRIP1 is on the minus strand). VCF-style: chr17-61683678-G-C. GRCh37 (hg19) VCF-style: chr17-59761039-G-C.
Other names: short protein forms T1123R.
Identifiers: ClinVar variation 2943259 (VCV002943259.3), dbSNP rs2544557055, ClinGen allele CA400478879.